The following is an entry in ClinVar:

NM_006390.4(IPO8):c.2407C>T (p.Arg803Ter)

Gene: IPO8 (importin 8; minus strand). Cytogenetic location: 12p11.21.
Variant type: single nucleotide variant.
Coding change: c.2407C>T on transcript NM_006390.4 (MANE Select); coding-DNA position 2407, C replaced by T.
Protein change: p.Arg803Ter; replaces arginine 803 with a stop codon.
Molecular consequence: nonsense.
Genome position (GRCh38, 1-based): chr12:30,639,597, G>A on the plus strand (C>T on the coding strand, the complement: IPO8 is on the minus strand). VCF-style: chr12-30639597-G-A. GRCh37 (hg19) VCF-style: chr12-30792531-G-A.
Other names: c.1792C>T, p.Arg598Ter (NM_001190995.2); short protein forms R598*, R803*.
Identifiers: ClinVar variation 1064721 (VCV001064721.3), dbSNP rs752299664, ClinGen allele CA6498648.
Genomic context (GRCh38, chr12:30,639,597, plus strand): 5'-TCATCCATTGATTTATAAACTGTACAGTGATAGGTCCAGGGTTGTGAGGCAACTGAATTC[G>A]TTCTAAAGTATGTAGCAGCAAATCAGGGTTGTAGTACAAGGCAGCAATTGCAACCTGAAG-3'

ClinVar aggregate classification (germline): Pathogenic/Likely pathogenic. Review status: criteria provided, multiple submitters, no conflicts (2 of 4 stars). 3 submissions from 3 submitters: Pathogenic (1); Likely pathogenic (1). 1 of the submissions does not count toward it. Last evaluated 2022-08-24.

Conditions:
VISS syndrome. Also called: VASCULAR ANEURYSM, IMMUNE DYSREGULATION, SKELETAL ANOMALIES, AND SKIN AND JOINT LAXITY. Identifiers: MedGen C5561955, MONDO:0859177, OMIM 619472.
IPO8 related Connective tissue disorder.

Allele frequency attached by ClinVar (database versions not stated): gnomAD exomes below 0.00001; ExAC 0.00001.
gnomAD v4.1: 5 of 1,613,970 alleles (0.00031%); highest among the groups gnomAD compares: South Asian, 0.0011%; no homozygotes.

Submissions (3):

GeneDx
Classification: Pathogenic. Last evaluated: 2022-08-24. Review status: criteria provided, single submitter. Criteria: GeneDx Variant Classification Process June 2021. Collection method: clinical testing. Allele origin: germline. Affected: yes.
Comment: Nonsense variant predicted to result in protein truncation or nonsense mediated decay in a gene for which loss of function is a known mechanism of disease; Not observed at significant frequency in large population cohorts (gnomAD); This variant is associated with the following publications: (PMID: 34010604)

SIB Swiss Institute of Bioinformatics
Classification: Likely pathogenic for VISS syndrome. Last evaluated: 2022-03-09. Review status: criteria provided, single submitter. Criteria: ACMG Guidelines, 2015. Collection method: curation. Allele origin: unknown.
Comment: This variant is interpreted as likely pathogenic for VISS syndrome, autosomal recessive. The following ACMG Tag(s) were applied: Absent from controls (or at extremely low frequency if recessive) in Exome Sequencing Project, 1000 Genomes Project, or Exome Aggregation Consortium (PM2); Cosegregation with disease in multiple affected family members in a gene definitively known to cause the disease (PP1); Predicted nullvariant in a gene where LOF is a known mechanism of disease (PVS1 downgraded to strong).

Biochemistry and Genetics Laboratory, University Hospital of Angers
Classification: Pathogenic for IPO8 related Connective tissue disorder. Last evaluated: 2021-04-22. Review status: no assertion criteria provided. Collection method: research. Allele origin: inherited. Affected: yes. Not counted in ClinVar's aggregate classification.

Literature cited by the submitters: PubMed 34010604 (cited by SIB Swiss Institute of Bioinformatics).